The following is an entry in ClinVar:

ClinVar aggregate classification (germline): Benign/Likely benign. Review status: criteria provided, multiple submitters, no conflicts (2 of 4 stars). 10 submissions from 10 submitters: Benign (3); Likely benign (6). 1 of the submissions does not count toward it. Last evaluated 2026-06-01.

Conditions:
DAG1-related disorder. Also called: DAG1-related condition.
Muscular dystrophy-dystroglycanopathy (congenital with brain and eye anomalies), type A9. Also called: WALKER-WARBURG SYNDROME OR MUSCLE-EYE BRAIN DISEASE, DAG1-RELATED; Muscular dystrophy-dystroglycanopathy (congenital with brain and eye anomalies), type a, 9. Identifiers: Orphanet 370997, Orphanet 899, MedGen C4225291, MONDO:0014683, OMIM 616538.
Autosomal recessive limb-girdle muscular dystrophy type 2P. Also called: MUSCULAR DYSTROPHY-DYSTROGLYCANOPATHY, LIMB-GIRDLE, DAG1-RELATED; MUSCULAR DYSTROPHY, LIMB-GIRDLE, TYPE 2P; Limb-Girdle Muscular Dystrophy Type 9C. Identifiers: Orphanet 280333, MedGen C4511963, MONDO:0013440, OMIM 613818.

Allele frequency attached by ClinVar (database versions not stated): 1000 Genomes Project 0.00140; 1000 Genomes Project 30x 0.00141; ExAC 0.00202; gnomAD exomes 0.00222 and 0.00332; TOPMed 0.00246; gnomAD 0.00249; ESP Exome Variant Server 0.00315.
gnomAD v4.1: 5,262 of 1,613,830 alleles (0.33%); highest among the groups gnomAD compares: Non-Finnish European, 0.38%; 12 homozygotes.

Submissions (10):

CeGaT Center for Human Genetics Tuebingen
Classification: Likely benign. Last evaluated: 2026-06-01. Review status: criteria provided, single submitter. Criteria: CeGaT Center For Human Genetics Tuebingen Variant Classification Criteria Version 2. Collection method: clinical testing. Allele origin: germline. Affected: yes. Observed: 18 variant alleles.
Comment: DAG1: BP4, BP7

Labcorp Genetics (formerly Invitae), Labcorp
Classification: Benign for Autosomal recessive limb-girdle muscular dystrophy type 2P; Muscular dystrophy-dystroglycanopathy (congenital with brain and eye anomalies), type A9. Last evaluated: 2026-01-15. Review status: criteria provided, single submitter. Criteria: Invitae Variant Classification Sherloc (09022015). Collection method: clinical testing. Allele origin: germline.

Mayo Clinic Laboratories, Mayo Clinic
Classification: Benign. Last evaluated: 2025-01-03. Review status: criteria provided, single submitter. Criteria: ACMG Guidelines, 2015. Collection method: clinical testing. Allele origin: germline. Observed: 5 variant alleles.
Comment: BS1, BS2

Blueprint Genetics
Classification: Likely benign. Last evaluated: 2024-11-07. Review status: criteria provided, single submitter. Criteria: ACMG Guidelines, 2015. Collection method: clinical testing. Allele origin: germline.

Athena Diagnostics
Classification: Benign. Last evaluated: 2024-06-20. Review status: criteria provided, single submitter. Criteria: Athena Diagnostics Criteria. Collection method: clinical testing. Allele origin: unknown.

GeneDx
Classification: Likely benign. Last evaluated: 2020-09-03. Review status: criteria provided, single submitter. Criteria: GeneDx Variant Classification Process June 2021. Collection method: clinical testing. Allele origin: germline. Affected: yes.
Comment: This variant is associated with the following publications: (PMID: 25671699)

Genetic Services Laboratory, University of Chicago
Classification: Likely benign. Last evaluated: 2018-11-14. Review status: criteria provided, single submitter. Criteria: ACMG Guidelines, 2015. Collection method: clinical testing. Allele origin: germline. Affected: no.

Eurofins Ntd Llc (ga)
Classification: Likely benign. Last evaluated: 2015-02-26. Review status: criteria provided, single submitter. Criteria: EGL Classification Definitions 2015. Collection method: clinical testing. Allele origin: germline. Observed: 1 variant allele, 1 heterozygote.

Breakthrough Genomics
Classification: Likely benign. Review status: criteria provided, single submitter. Criteria: ACMG Guidelines, 2015. Collection method: not provided. Allele origin: germline. Inheritance: Autosomal recessive inheritance. Affected: yes.

PreventionGenetics, part of Exact Sciences
Classification: Likely benign for DAG1-related condition. Last evaluated: 2019-12-09. Review status: no assertion criteria provided. Collection method: clinical testing. Allele origin: germline. Not counted in ClinVar's aggregate classification.
Comment: This variant is classified as likely benign based on ACMG/AMP sequence variant interpretation guidelines (Richards et al. 2015 PMID: 25741868, with internal and published modifications).

NM_004393.6(DAG1):c.1233G>A (p.Val411=)

Gene: DAG1 (dystroglycan 1; plus strand). Cytogenetic location: 3p21.31.
Variant type: single nucleotide variant.
Coding change: c.1233G>A on transcript NM_004393.6 (MANE Select); coding-DNA position 1233, G replaced by A.
Protein change: p.Val411=; no amino-acid change (valine 411 retained).
Molecular consequence: synonymous variant.
Genome position (GRCh38, 1-based): chr3:49,531,744, G>A. VCF-style: chr3-49531744-G-A. GRCh37 (hg19) VCF-style: chr3-49569177-G-A.
Other names: p.Val411=; c.1233G>A (NM_001165928.3); c.1233G>A, p.Val411= (NM_001165928.4, NM_001177634.3, NM_001177635.3 and 9 more transcripts).
Identifiers: ClinVar variation 196384 (VCV000196384.48), dbSNP rs145765079, ClinGen allele CA202349.
Genomic context (GRCh38, chr3:49,531,744, plus strand): 5'-AGAAGCTGGCACCACAGTTCCTGGCCAGATTCGCCCAACGATGACCATTCCTGGCTATGT[G>A]GAGCCTACTGCAGTTGCTACCCCTCCCACAACCACCACCAAGAAGCCACGAGTATCCACA-3'
Protein context (NP_004384.5, residues 401-421): IRPTMTIPGY[Val411=]EPTAVATPPT